The following is an entry in ClinVar:

NM_144666.3(DNHD1):c.11124G>A (p.Arg3708=)

Gene: DNHD1 (dynein heavy chain domain 1; plus strand). Cytogenetic location: 11p15.4.
Variant type: single nucleotide variant.
Coding change: c.11124G>A on transcript NM_144666.3 (MANE Select); coding-DNA position 11124, G replaced by A.
Protein change: p.Arg3708=; no amino-acid change (arginine 3708 retained).
Molecular consequence: synonymous variant.
Genome position (GRCh38, 1-based): chr11:6,566,311, G>A. VCF-style: chr11-6566311-G-A. GRCh37 (hg19) VCF-style: chr11-6587541-G-A.
Identifiers: ClinVar variation 3390077 (VCV003390077.14).
Genomic context (GRCh38, chr11:6,566,311, plus strand): 5'-GTTACTGACCAATGTGGAGCTGGGTCTAGGGTGCGAAGAACTGCAATGGCTGCTGCAACG[G>A]GAGCAGCTGAGTCCACCCCAGGTGCAGCCTGGCTTCTGTCTGTATCTCAGCACCACCCTC-3'
Protein context (NP_653267.2, residues 3698-3718): GCEELQWLLQ[Arg3708=]EQLSPPQVQP

ClinVar aggregate classification (germline): Likely benign (1 of 4 stars; one submission).

Submission:

CeGaT Center for Human Genetics Tuebingen
Classification: Likely benign. Last evaluated: 2024-11-01. Review status: criteria provided, single submitter. Criteria: CeGaT Center For Human Genetics Tuebingen Variant Classification Criteria Version 2. Collection method: clinical testing. Allele origin: germline. Affected: yes. Observed: 1 variant allele.
Comment: DNHD1: BP4, BP7